The following is an entry in ClinVar:

ClinVar aggregate classification (germline): Uncertain significance (1 of 4 stars; one submission).

Conditions:
Amyotrophic lateral sclerosis type 21. Also called: VOCAL CORD AND PHARYNGEAL DYSFUNCTION WITH DISTAL MYOPATHY; MYOPATHY, DISTAL, 2. Identifiers: Orphanet 600, Orphanet 803, MedGen C3807521, MONDO:0011632, OMIM 606070.

Allele frequency attached by ClinVar (database versions not stated): gnomAD exomes below 0.00001 and 0.00001.
gnomAD v4.1: 7 of 1,613,916 alleles (0.00043%); highest among the groups gnomAD compares: Non-Finnish European, 0.00059%; no homozygotes.

Submission:

Labcorp Genetics (formerly Invitae), Labcorp
Classification: Uncertain significance for Amyotrophic lateral sclerosis type 21. Last evaluated: 2020-09-18. Review status: criteria provided, single submitter. Criteria: Invitae Variant Classification Sherloc (09022015). Collection method: clinical testing. Allele origin: germline.
Comment: In summary, the available evidence is currently insufficient to determine the role of this variant in disease. Therefore, it has been classified as a Variant of Uncertain Significance. Algorithms developed to predict the effect of missense changes on protein structure and function are either unavailable or do not agree on the potential impact of this missense change (SIFT: "Deleterious"; PolyPhen-2: "Possibly Damaging"; Align-GVGD: "Class C0"). This variant has not been reported in the literature in individuals with MATR3-related conditions. This variant is not present in population databases (ExAC no frequency). This sequence change replaces histidine with tyrosine at codon 364 of the MATR3 protein (p.His364Tyr). The histidine residue is highly conserved and there is a moderate physicochemical difference between histidine and tyrosine.

NM_018834.6(MATR3):c.1090C>T (p.His364Tyr)

Gene: MATR3 (matrin 3; plus strand). Cytogenetic location: 5q31.2.
Variant type: single nucleotide variant.
Coding change: c.1090C>T on transcript NM_018834.6 (MANE Select); coding-DNA position 1090, C replaced by T.
Protein change: p.His364Tyr; replaces histidine 364 with tyrosine.
Molecular consequence: missense variant.
Genome position (GRCh38, 1-based): chr5:139,316,149, C>T. VCF-style: chr5-139316149-C-T. GRCh37 (hg19) VCF-style: chr5-138651838-C-T.
Other names: c.1090C>T, p.His364Tyr (NM_001194954.2, NM_001194955.2, NM_199189.3); c.226C>T, p.His76Tyr (NM_001194956.2); c.76C>T, p.His26Tyr (NM_001282278.2); short protein forms H26Y, H364Y, H76Y.
Identifiers: ClinVar variation 1062634 (VCV001062634.9), dbSNP rs1561938220, ClinGen allele CA361138963.